The following is an entry in ClinVar:

NM_139343.3(BIN1):c.1132-22TGC[5]

Gene: BIN1 (bridging integrator 1; minus strand). Cytogenetic location: 2q14.3.
Variant type: Microsatellite.
Coding change: c.1132-22TGC[5] on transcript NM_139343.3 (MANE Select); five copies in a row of the 3-base unit TGC starting at c.1132-22; the reference has six copies in a row; one copy, 3 bases deleted.
Molecular consequence: intron variant.
Genome position (GRCh38, 1-based): chr2:127,054,017-127,054,019, GCA deleted on the plus strand (TGC on the coding strand, the reverse complement: BIN1 is on the minus strand); deleting any 3 consecutive bases within chr2:127,054,017-127,054,035 gives the same sequence; the position shown is the placement nearest the transcript's 3' end. VCF-style (leftmost placement, unchanged base first): chr2-127054016-GGCA-G. GRCh37 (hg19) VCF-style: chr2-127811592-GGCA-G.
Other names: c.1051-22TGC[5] (NM_001320642.1); c.838-3122TGC[5] (NM_001320634.1); c.910-3122TGC[5] (NM_139351.3); c.910-2791TGC[5] (NM_139350.3); c.910-1672TGC[5] (NM_139349.3); c.1039-2791TGC[5] (NM_139348.3); c.1039-1672TGC[5] (NM_139347.3); c.1039-22TGC[5] (NM_001320641.2); and 7 more.
Identifiers: ClinVar variation 3057118 (VCV003057118.2), dbSNP rs748026377, ClinGen allele CA1857170.

ClinVar aggregate classification (germline): Likely benign (0 of 4 stars; one submission).

Conditions:
BIN1-related disorder. Also called: BIN1-related condition.

Submission:

PreventionGenetics, part of Exact Sciences
Classification: Likely benign for BIN1-related condition. Last evaluated: 2020-05-21. Review status: no assertion criteria provided. Collection method: clinical testing. Allele origin: germline.
Comment: This variant is classified as likely benign based on ACMG/AMP sequence variant interpretation guidelines (Richards et al. 2015 PMID: 25741868, with internal and published modifications).